The following is an entry in ClinVar:

ClinVar aggregate classification (germline): not provided (0 of 4 stars; one submission).

Conditions:
Normal pregnancy. Identifiers: MedGen C0232989.

Submission:

Institute of Molecular and Cell Biology, University of Tartu
No classification provided. Condition: Normal pregnancy. Review status: no classification provided. Collection method: case-control. Allele origin: unknown. Affected: yes. Study: Kasak2014.
Comment: The study aimed to determine the contribution of copy number variants in the genetic etiology of normal and complicated pregnancies. The samples represented (i) maternal blood DNA drawn from healthy pregnant women during 1st or 2nd trimester and (ii) maternal and paternal blood DNA drawn at term pregnancy cases representing normal and complicated gestations (severe preeclampsia, PE; gestational diabetes, GD; small-for-gestational age newborn, SGA; large-for-gestational age newborn, LGA). We performed CNV calling based on genome-wide genotyping dataset (Illumina HumanOmniExpress-24-v1 BeadChip) by applying three algorithms, QuantiSNP, GADA (Genome Alteration Detection Algorithm) and CNstream in parallel. The acquired CNV calls were merged with HD-CNV (Hotspot Detector for Copy Number Variants) program and only the CNVs predicted by at least two programs, were considered in subsequent analysis.

Literature cited by the submitters: PubMed 25666259.

NM_001040214.2(NKAIN2):c.55-199612_55-129556dup

Gene: NKAIN2 (sodium/potassium transporting ATPase interacting 2; plus strand). Cytogenetic location: 6q22.31.
Variant type: Duplication.
Coding change: c.55-199612_55-129556dup on transcript NM_001040214.2; 199612 bases into the intron before coding-DNA position 55 through 129556 bases into the intron before coding-DNA position 55, this stretch duplicated.
Identifiers: ClinVar variation 157025 (VCV000157025.2).